The following is an entry in ClinVar:

ClinVar aggregate classification (germline): Uncertain significance (1 of 4 stars; one submission).

Conditions:
Familial hemiplegic migraine. Identifiers: MedGen C0338484, MONDO:0000700.

Allele frequency attached by ClinVar (database versions not stated): gnomAD exomes below 0.00001; ExAC 0.00001.
gnomAD v4.1: 1 of 1,614,122 alleles (0.000062%); highest among the groups gnomAD compares: Non-Finnish European, 0.000085%; no homozygotes.

Submission:

Labcorp Genetics (formerly Invitae), Labcorp
Classification: Uncertain significance for Familial hemiplegic migraine. Last evaluated: 2025-10-28. Review status: criteria provided, single submitter. Criteria: Invitae Variant Classification Sherloc (09022015). Collection method: clinical testing. Allele origin: germline.
Comment: This sequence change replaces alanine, which is neutral and non-polar, with threonine, which is neutral and polar, at codon 918 of the ATP1A2 protein (p.Ala918Thr). This variant is present in population databases (rs776809763, gnomAD 0.0009%). This variant has not been reported in the literature in individuals affected with ATP1A2-related conditions. ClinVar contains an entry for this variant (Variation ID: 938810). Invitae Evidence Modeling of protein sequence and biophysical properties (such as structural, functional, and spatial information, amino acid conservation, physicochemical variation, residue mobility, and thermodynamic stability) indicates that this missense variant is not expected to disrupt ATP1A2 protein function with a negative predictive value of 80%. In summary, the available evidence is currently insufficient to determine the role of this variant in disease. Therefore, it has been classified as a Variant of Uncertain Significance.

NM_000702.4(ATP1A2):c.2752G>A (p.Ala918Thr)

Gene: ATP1A2 (ATPase Na+/K+ transporting subunit alpha 2; plus strand). Cytogenetic location: 1q23.2.
Variant type: single nucleotide variant.
Coding change: c.2752G>A on transcript NM_000702.4 (MANE Select); coding-DNA position 2752, G replaced by A.
Protein change: p.Ala918Thr; replaces alanine 918 with threonine.
Molecular consequence: missense variant.
Genome position (GRCh38, 1-based): chr1:160,136,943, G>A. VCF-style: chr1-160136943-G-A. GRCh37 (hg19) VCF-style: chr1-160106733-G-A.
Other names: short protein forms A918T.
Identifiers: ClinVar variation 938810 (VCV000938810.9), dbSNP rs776809763, ClinGen allele CA1194834.
Genomic context (GRCh38, chr1:160,136,943, plus strand): 5'-TGCCCACCCTCCCTCCAGACCTATGAGCAGCGGAAGGTGGTGGAGTTCACGTGCCACACG[G>A]CATTCTTTGCCAGCATCGTGGTGGTGCAGTGGGCTGACCTCATCATCTGCAAGACCCGCC-3'
Protein context (NP_000693.1, residues 908-928): RKVVEFTCHT[Ala918Thr]FFASIVVVQW